The following is an entry in ClinVar:

ClinVar aggregate classification (germline): Uncertain significance. Review status: criteria provided, multiple submitters, no conflicts (2 of 4 stars). 3 submissions from 3 submitters: Uncertain significance (3). Last evaluated 2025-12-31.

Conditions:
Dyskeratosis congenita. Identifiers: Orphanet 1775, MedGen C0265965, MONDO:0015780.
Idiopathic Pulmonary Fibrosis. Also called: Idiopathic fibrosing alveolitis, chronic form; idiopathic fibrosing alveolitis. Identifiers: Orphanet 2032, MedGen C1800706, MeSH D054990, MONDO:0800504.
Dyskeratosis congenita, autosomal dominant 2. Identifiers: MedGen C3151443, MONDO:0013521, OMIM 613989.

Allele frequency attached by ClinVar (database versions not stated): gnomAD exomes below 0.00001; TOPMed 0.00001.
gnomAD v4.1: 2 of 1,590,024 alleles (0.00013%); highest among the groups gnomAD compares: Admixed American, 0.0035%; no homozygotes.

Submissions (3):

Ambry Genetics
Classification: Uncertain significance for Dyskeratosis congenita. Last evaluated: 2025-12-31. Review status: criteria provided, single submitter. Criteria: Ambry Variant Classification Scheme 2023. Collection method: clinical testing. Allele origin: germline.
Comment: The p.P275S variant (also known as c.823C>T), located in coding exon 2 of the TERT gene, results from a C to T substitution at nucleotide position 823. The proline at codon 275 is replaced by serine, an amino acid with similar properties. This amino acid position is not well conserved in available vertebrate species. In addition, this alteration is predicted to be tolerated by in silico analysis. Based on the available evidence, the clinical significance of this variant remains unclear.

Labcorp Genetics (formerly Invitae), Labcorp
Classification: Uncertain significance for Dyskeratosis congenita, autosomal dominant 2; Idiopathic Pulmonary Fibrosis. Last evaluated: 2024-01-04. Review status: criteria provided, single submitter. Criteria: Invitae Variant Classification Sherloc (09022015). Collection method: clinical testing. Allele origin: germline.
Comment: This sequence change replaces proline, which is neutral and non-polar, with serine, which is neutral and polar, at codon 275 of the TERT protein (p.Pro275Ser). This variant is present in population databases (rs758074759, gnomAD 0.01%). This variant has not been reported in the literature in individuals affected with TERT-related conditions. ClinVar contains an entry for this variant (Variation ID: 2662247). Algorithms developed to predict the effect of missense changes on protein structure and function output the following: SIFT: "Not Available"; PolyPhen-2: "Benign"; Align-GVGD: "Not Available". The serine amino acid residue is found in multiple mammalian species, which suggests that this missense change does not adversely affect protein function. In summary, the available evidence is currently insufficient to determine the role of this variant in disease. Therefore, it has been classified as a Variant of Uncertain Significance.

GeneDx
Classification: Uncertain significance. Last evaluated: 2023-05-16. Review status: criteria provided, single submitter. Criteria: GeneDx Variant Classification Process June 2021. Collection method: clinical testing. Allele origin: germline. Affected: yes.
Comment: In silico analysis supports that this missense variant does not alter protein structure/function; Has not been previously published as pathogenic or benign to our knowledge

NM_198253.3(TERT):c.823C>T (p.Pro275Ser)

Gene: TERT (telomerase reverse transcriptase; minus strand). Cytogenetic location: 5p15.33.
Variant type: single nucleotide variant.
Coding change: c.823C>T on transcript NM_198253.3 (MANE Select); coding-DNA position 823, C replaced by T.
Protein change: p.Pro275Ser; replaces proline 275 with serine.
Molecular consequence: missense variant. On other transcripts: non-coding transcript variant (2).
Genome position (GRCh38, 1-based): chr5:1,294,063, G>A on the plus strand (C>T on the coding strand, the complement: TERT is on the minus strand). VCF-style: chr5-1294063-G-A. GRCh37 (hg19) VCF-style: chr5-1294178-G-A.
Other names: c.823C>T, p.Pro275Ser (NM_001193376.3, NM_003219.1); short protein forms P275S.
Identifiers: ClinVar variation 2662247 (VCV002662247.5), dbSNP rs758074759, ClinGen allele CA3184907.